The following is an entry in ClinVar:

NM_001365088.1(SLC12A6):c.1944-26C>T

Gene: SLC12A6 (solute carrier family 12 member 6; minus strand). Cytogenetic location: 15q14.
Variant type: single nucleotide variant.
Coding change: c.1944-26C>T on transcript NM_001365088.1 (MANE Select); 26 bases into the intron before coding-DNA position 1944, C replaced by T.
Molecular consequence: intron variant.
Genome position (GRCh38, 1-based): chr15:34,244,098, G>A on the plus strand (C>T on the coding strand, the complement: SLC12A6 is on the minus strand). VCF-style: chr15-34244098-G-A. GRCh37 (hg19) VCF-style: chr15-34536299-G-A.
Other names: c.1767-26C>T (NM_001042495.2, NM_001042494.2); c.1917-26C>T (NM_001042496.2); c.1899-26C>T (NM_001042497.2); c.1944-26C>T (NM_133647.2); c.1791-26C>T (NM_005135.2).
Identifiers: ClinVar variation 159890 (VCV000159890.9), dbSNP rs34807905, ClinGen allele CA173435.

ClinVar aggregate classification (germline): Benign. Review status: criteria provided, multiple submitters, no conflicts (2 of 4 stars). 3 submissions from 3 submitters: Benign (2). 1 of the submissions does not count toward it. Last evaluated 2018-07-07.

Allele frequency attached by ClinVar (database versions not stated): ESP Exome Variant Server 0.03408; ExAC 0.03969; gnomAD 0.03448 and 0.03484; 1000 Genomes Project 30x 0.02233; 1000 Genomes Project 0.02196; TOPMed 0.02967; gnomAD exomes 0.03893.
gnomAD v4.1: 49,305 of 1,181,948 alleles (4.2%); highest among the groups gnomAD compares: Non-Finnish European, 4.6%; 1,165 homozygotes.

Submissions (3):

GeneDx
Classification: Benign. Last evaluated: 2018-07-07. Review status: criteria provided, single submitter. Criteria: GeneDx Variant Classification Process June 2021. Collection method: clinical testing. Allele origin: germline. Affected: yes.

Breakthrough Genomics
Classification: Benign. Review status: criteria provided, single submitter. Criteria: ACMG Guidelines, 2015. Collection method: not provided. Allele origin: germline. Inheritance: Autosomal recessive inheritance. Affected: yes.

Genetic Services Laboratory, University of Chicago
Classification: Likely benign. Review status: no assertion criteria provided. Collection method: clinical testing. Allele origin: germline. Inheritance: Autosomal recessive inheritance. Not counted in ClinVar's aggregate classification.
Comment: Likely benign based on allele frequency in 1000 Genomes Project or ESP global frequency and its presence in a patient with a rare or unrelated disease phenotype. NOT Sanger confirmed